The following is an entry in ClinVar:

NM_002471.4(MYH6):c.613G>A (p.Gly205Ser)

Genes: MYH6 (myosin heavy chain 6; minus strand), LOC114827851 (VISTA enhancer hs2155; plus strand). Cytogenetic location: 14q11.2.
Variant type: single nucleotide variant.
Coding change: c.613G>A on transcript NM_002471.4 (MANE Select); coding-DNA position 613, G replaced by A.
Protein change: p.Gly205Ser; replaces glycine 205 with serine.
Molecular consequence: missense variant.
Genome position (GRCh38, 1-based): chr14:23,404,740, C>T on the plus strand (G>A on the coding strand, the complement: MYH6 is on the minus strand). VCF-style: chr14-23404740-C-T. GRCh37 (hg19) VCF-style: chr14-23873949-C-T.
Other names: short protein forms G205S.
Identifiers: ClinVar variation 3297481 (VCV003297481.1).

ClinVar aggregate classification (germline): Uncertain significance (1 of 4 stars; one submission).

Conditions:
Cardiovascular phenotype. Identifiers: MedGen CN230736.

Submission:

Ambry Genetics
Classification: Uncertain significance for Cardiovascular phenotype. Last evaluated: 2024-04-07. Review status: criteria provided, single submitter. Criteria: Ambry Variant Classification Scheme 2023. Collection method: clinical testing. Allele origin: germline.
Comment: The p.G205S variant (also known as c.613G>A), located in coding exon 5 of the MYH6 gene, results from a G to A substitution at nucleotide position 613. The glycine at codon 205 is replaced by serine, an amino acid with similar properties. This amino acid position is conserved. In addition, this alteration is predicted to be tolerated by in silico analysis. Based on the available evidence, the clinical significance of this variant remains unclear.